The following is an entry in ClinVar:

NM_000169.3(GLA):c.170A>G (p.Gln57Arg)

Genes: GLA (galactosidase alpha; minus strand), RPL36A-HNRNPH2 (RPL36A-HNRNPH2 readthrough; plus strand). Cytogenetic location: Xq22.1.
Variant type: single nucleotide variant.
Coding change: c.170A>G on transcript NM_000169.3 (MANE Select); coding-DNA position 170, A replaced by G.
Protein change: p.Gln57Arg; replaces glutamine 57 with arginine.
Molecular consequence: missense variant. On other transcripts: non-coding transcript variant (3), intron variant (2).
Genome position (GRCh38, 1-based): chrX:101,407,734, T>C on the plus strand (A>G on the coding strand, the complement: GLA is on the minus strand). VCF-style: chrX-101407734-T-C. GRCh37 (hg19) VCF-style: chrX-100662722-T-C.
Other names: c.170A>G, p.Gln57Arg (NM_001406747.1, NM_001406748.1, NM_001406749.1); c.301-4202T>C (NM_001199973.2); c.178-4202T>C (NM_001199974.2); short protein forms Q57R.
Identifiers: ClinVar variation 1303489 (VCV001303489.5), dbSNP rs869312260, ClinGen allele CA352488.

ClinVar aggregate classification (germline): Conflicting classifications of pathogenicity. Review status: criteria provided, conflicting classifications (1 of 4 stars). 2 submissions from 2 submitters: Likely pathogenic (1); Uncertain significance (1). Last evaluated 2026-09-08.

Conditions:
Fabry disease. Also called: Ceramide trihexosidosis; GLA DEFICIENCY; HEREDITARY DYSTOPIC LIPIDOSIS; Angiokeratoma corporis diffusum; Fabry's disease; ALPHA-GALACTOSIDASE A DEFICIENCY. Identifiers: Orphanet 324, MedGen C0002986, MONDO:0010526, OMIM 301500, HP:0001071. Disease mechanism: Fabry disease is due to inactivating mutations in the X-linked GLA gene resulting in deficiency of the enzyme Alpha Galactosidase-A., loss of function.

Allele frequency attached by ClinVar (database versions not stated): gnomAD exomes below 0.00001.
gnomAD v4.1: 1 of 1,211,389 alleles (0.000083%); highest among the groups gnomAD compares: Non-Finnish European, 0.00011%; no homozygotes.

Submissions (2):

Genomenon, Inc
Classification: Likely pathogenic for Fabry disease. Last evaluated: 2026-09-08. Review status: criteria provided, single submitter. Criteria: Genomenon Sequence Variant Interpretation Standards - Updated. Collection method: curation. Allele origin: germline. Affected: yes.
Comment: GLA p.Gln57Arg (c.170A>G) is a missense variant that changes the amino acid at codon 57 from Glutamine to Arginine. This variant has been observed in at least one proband with clinical features consistent with Fabry disease (PMID:27585509). The variant was found to segregate with disease in at least one affected family (PMID:27585509). Functional or patient cell studies have been reported (PMID:23841057;23474053;27585509). This variant is located in a mutational hotspot and/or important functional domain. It is absent or not present at a significant frequency in gnomAD. In silico models predict that this variant is not damaging. In conclusion, we classify GLA p.Gln57Arg (c.170A>G) as a likely pathogenic variant.

GeneDx
Classification: Uncertain significance. Last evaluated: 2019-10-30. Review status: criteria provided, single submitter. Criteria: GeneDx Variant Classification Process June 2021. Collection method: clinical testing. Allele origin: germline. Affected: yes.
Comment: Not observed in large population cohorts (Lek et al., 2016); In silico analysis, which includes protein predictors and evolutionary conservation, supports that this variant does not alter protein structure/function; This variant is associated with the following publications: (PMID: 27585509, 23474053)

Literature cited by the submitters: PubMed 27585509 (cited by Genomenon, Inc); PubMed 23841057 (cited by Genomenon, Inc); PubMed 23474053 (cited by Genomenon, Inc).